The following is an entry in ClinVar:

NM_001292063.2(OTOG):c.5915G>T (p.Arg1972Met)

Gene: OTOG (otogelin; plus strand). Cytogenetic location: 11p15.1.
Variant type: single nucleotide variant.
Coding change: c.5915G>T on transcript NM_001292063.2 (MANE Select); coding-DNA position 5915, G replaced by T.
Protein change: p.Arg1972Met; replaces arginine 1972 with methionine.
Molecular consequence: missense variant.
Genome position (GRCh38, 1-based): chr11:17,611,215, G>T. VCF-style: chr11-17611215-G-T. GRCh37 (hg19) VCF-style: chr11-17632762-G-T.
Other names: c.5951G>T, p.Arg1984Met (NM_001277269.2); c.5951G>T (NM_001277269.1); short protein forms R1984M, R1972M.
Identifiers: ClinVar variation 4751399 (VCV004751399.2).

ClinVar aggregate classification (germline): Conflicting classifications of pathogenicity. Review status: criteria provided, conflicting classifications (1 of 4 stars). 2 submissions from 2 submitters: Uncertain significance (1); Likely benign (1). Last evaluated 2026-02-26.

Conditions:
OTOG-related disorder. Also called: OTOG-related condition.

gnomAD v4.1: 209 of 1,550,548 alleles (0.013%); highest among the groups gnomAD compares: South Asian, 0.22%; 1 homozygote.

Submissions (2):

PreventionGenetics, part of Exact Sciences
Classification: Likely benign for OTOG-related condition. Last evaluated: 2026-02-26. Review status: criteria provided, single submitter. Criteria: ACMG Guidelines, 2015. Collection method: clinical testing. Allele origin: germline.
Comment: This variant is classified as likely benign based on ACMG/AMP sequence variant interpretation guidelines (Richards et al. 2015 PMID: 25741868, with internal and published modifications).

Labcorp Genetics (formerly Invitae), Labcorp
Classification: Uncertain significance. Last evaluated: 2025-12-18. Review status: criteria provided, single submitter. Criteria: Invitae Variant Classification Sherloc (09022015). Collection method: clinical testing. Allele origin: germline.
Comment: This sequence change replaces arginine, which is basic and polar, with methionine, which is neutral and non-polar, at codon 1984 of the OTOG protein (p.Arg1984Met). This variant is present in population databases (rs534067659, gnomAD 0.2%). This variant has not been reported in the literature in individuals affected with OTOG-related conditions. An algorithm developed to predict the effect of missense changes on protein structure and function (PolyPhen-2) suggests that this variant is likely to be disruptive. In summary, the available evidence is currently insufficient to determine the role of this variant in disease. Therefore, it has been classified as a Variant of Uncertain Significance.